The following is an entry in ClinVar:

NM_000171.4(GLRA1):c.476+5G>T

Gene: GLRA1 (glycine receptor alpha 1; minus strand). Cytogenetic location: 5q33.1.
Variant type: single nucleotide variant.
Coding change: c.476+5G>T on transcript NM_000171.4 (MANE Select); 5 bases into the intron after coding-DNA position 476, G replaced by T.
Molecular consequence: intron variant.
Genome position (GRCh38, 1-based): chr5:151,859,780, C>A on the plus strand (G>T on the coding strand, the complement: GLRA1 is on the minus strand). VCF-style: chr5-151859780-C-A. GRCh37 (hg19) VCF-style: chr5-151239341-C-A.
Other names: c.227+5G>T (NM_001292000.2); c.476+5G>T (NM_001146040.2).
Identifiers: ClinVar variation 578295 (VCV000578295.9), dbSNP rs766221222, ClinGen allele CA3523697.

ClinVar aggregate classification (germline): Uncertain significance. Review status: criteria provided, multiple submitters, no conflicts (2 of 4 stars). 2 submissions from 2 submitters: Uncertain significance (2). Last evaluated 2025-10-13.

Conditions:
Hereditary hyperekplexia. Identifiers: Orphanet 3197, MedGen C4084968, MONDO:0021022.

Allele frequency attached by ClinVar (database versions not stated): gnomAD 0.00001; gnomAD exomes 0.00001 and 0.00005; TOPMed 0.00002; ExAC 0.00004.
gnomAD v4.1: 11 of 1,594,544 alleles (0.00069%); highest among the groups gnomAD compares: Admixed American, 0.017%; no homozygotes.

Submissions (2):

Labcorp Genetics (formerly Invitae), Labcorp
Classification: Uncertain significance for Hereditary hyperekplexia. Last evaluated: 2025-10-13. Review status: criteria provided, single submitter. Criteria: Invitae Variant Classification Sherloc (09022015). Collection method: clinical testing. Allele origin: germline.
Comment: This sequence change falls in intron 4 of the GLRA1 gene. It does not directly change the encoded amino acid sequence of the GLRA1 protein. It affects a nucleotide within the consensus splice site. This variant is present in population databases (rs766221222, gnomAD 0.03%). This variant has not been reported in the literature in individuals affected with GLRA1-related conditions. ClinVar contains an entry for this variant (Variation ID: 578295). Variants that disrupt the consensus splice site are a relatively common cause of aberrant splicing (PMID: 17576681, 9536098). Algorithms developed to predict the effect of sequence changes on RNA splicing suggest that this variant is not likely to affect RNA splicing. In summary, the available evidence is currently insufficient to determine the role of this variant in disease. Therefore, it has been classified as a Variant of Uncertain Significance.

GeneDx
Classification: Uncertain significance. Last evaluated: 2025-05-16. Review status: criteria provided, single submitter. Criteria: GeneDx Variant Classification Process June 2021. Collection method: clinical testing. Allele origin: germline. Affected: yes.
Comment: In silico analysis suggests that this variant does not alter splicing; Has not been previously published as pathogenic or benign to our knowledge

Literature cited by the submitters: PubMed 17576681 (cited by Labcorp Genetics (formerly Invitae), Labcorp); PubMed 9536098 (cited by Labcorp Genetics (formerly Invitae), Labcorp).